The following is an entry in ClinVar:

ClinVar aggregate classification (germline): Likely pathogenic (1 of 4 stars; one submission).

Submission:

GeneDx
Classification: Likely pathogenic. Last evaluated: 2026-10-01. Review status: criteria provided, single submitter. Criteria: GeneDx Variant Classification Process June 2021. Collection method: clinical testing. Allele origin: germline.
Comment: Frameshift variant predicted to result in protein truncation or nonsense mediated decay in a gene for which loss of function is a known mechanism of disease; Not observed at significant frequency in large population cohorts (gnomAD); Has not been previously published as pathogenic or benign to our knowledge

NM_001386298.1(CIC):c.3837_3840del (p.Ser1279fs)

Gene: CIC (capicua transcriptional repressor; plus strand). Cytogenetic location: 19q13.2.
Variant type: Deletion.
Coding change: c.3837_3840del on transcript NM_001386298.1 (MANE Select); coding-DNA positions 3837 to 3840, 4 bases deleted (TCAG; older notation c.3837_3840delTCAG).
Protein change: p.Ser1279fs; shifts the reading frame from serine 1279.
Molecular consequence: frameshift variant.
Genome position (GRCh38, 1-based): chr19:42,289,066-42,289,069, TCAG deleted; deleting any 4 consecutive bases within chr19:42,289,063-42,289,069 gives the same sequence; the c. name uses the placement nearest the transcript's 3' end. VCF-style (leftmost placement, unchanged base first): chr19-42289062-ACAGT-A. GRCh37 (hg19) VCF-style: chr19-42793214-ACAGT-A.
Other names: c.3837_3840del, p.Ser1279fs (NM_001304815.2, NM_001379480.1, NM_001379482.1); c.1110_1113del, p.Ser370fs (NM_001379484.1, NM_001379485.1, NM_015125.5); short protein forms S1279fs, S370fs.
Identifiers: ClinVar variation 4056871 (VCV004056871.2).